The following is an entry in ClinVar:

NM_014516.4(CNOT3):c.17A>G (p.Lys6Arg)

Gene: CNOT3 (CCR4-NOT transcription complex subunit 3; plus strand). Cytogenetic location: 19q13.42.
Variant type: single nucleotide variant.
Coding change: c.17A>G on transcript NM_014516.4 (MANE Select); coding-DNA position 17, A replaced by G.
Protein change: p.Lys6Arg; replaces lysine 6 with arginine.
Molecular consequence: missense variant. On other transcripts: 5 prime UTR variant (2), non-coding transcript variant (2).
Genome position (GRCh38, 1-based): chr19:54,142,995, A>G. VCF-style: chr19-54142995-A-G. GRCh37 (hg19) VCF-style: chr19-54646731-A-G.
Other names: c.17A>G, p.Lys6Arg (NM_001440653.1, NM_001440654.1, NM_001440655.1 and 7 more transcripts); c.-583A>G (NM_001440659.1, NM_001440660.1); short protein forms K6R.
Identifiers: ClinVar variation 4685190 (VCV004685190.2).
Genomic context (GRCh38, chr19:54,142,995, plus strand): 5'-TCTCCAAGAGAGTATGAAGAGAGTGCGTCTGTAGGGCAGGGAAGATGGCGGACAAGCGCA[A>G]ACTCCAAGGTACTAGACTGACTTCCTGCTGCACCTGTAGCCACATGCTCCCTCTTCTGAG-3'
Protein context (NP_055331.1, residues 1-16): MADKR[Lys6Arg]LQGEIDRCLK

ClinVar aggregate classification (germline): Uncertain significance (1 of 4 stars; one submission).

Submission:

GeneDx
Classification: Uncertain significance. Last evaluated: 2026-01-20. Review status: criteria provided, single submitter. Criteria: GeneDx Variant Classification Process June 2021. Collection method: clinical testing. Allele origin: germline.
Comment: Not observed at significant frequency in large population cohorts (gnomAD); In silico analysis supports that this missense variant has a deleterious effect on protein structure/function; Has not been previously published as pathogenic or benign to our knowledge